The following is an entry in ClinVar:

NM_000322.5(PRPH2):c.749G>C (p.Cys250Ser)

Gene: PRPH2 (peripherin 2; minus strand). Cytogenetic location: 6p21.1.
Variant type: single nucleotide variant.
Coding change: c.749G>C on transcript NM_000322.5 (MANE Select); coding-DNA position 749, G replaced by C.
Protein change: p.Cys250Ser; replaces cysteine 250 with serine.
Molecular consequence: missense variant.
Genome position (GRCh38, 1-based): chr6:42,704,444, C>G on the plus strand (G>C on the coding strand, the complement: PRPH2 is on the minus strand). VCF-style: chr6-42704444-C-G. GRCh37 (hg19) VCF-style: chr6-42672182-C-G.
Other names: short protein forms C250S.
Identifiers: ClinVar variation 1482978 (VCV001482978.8), dbSNP rs1458793437, ClinGen allele CA364134978.

ClinVar aggregate classification (germline): Likely pathogenic (1 of 4 stars; one submission).

Conditions:
PRPH2-related disorder. Also called: PRPH2-related condition; PRPH2-related disorders. Identifiers: MedGen CN239395.

Submission:

Labcorp Genetics (formerly Invitae), Labcorp
Classification: Likely pathogenic for PRPH2-related disorder. Last evaluated: 2021-03-22. Review status: criteria provided, single submitter. Criteria: Invitae Variant Classification Sherloc (09022015). Collection method: clinical testing. Allele origin: germline.
Comment: This variant disrupts the p.Cys250 amino acid residue in PRPH2. Other variant(s) that disrupt this residue have been determined to be pathogenic (PMID: 16113362). This suggests that this residue is clinically significant, and that variants that disrupt this residue are likely to be disease-causing. In summary, the currently available evidence indicates that the variant is pathogenic, but additional data are needed to prove that conclusively. Therefore, this variant has been classified as Likely Pathogenic. Advanced modeling of protein sequence and biophysical properties (such as structural, functional, and spatial information, amino acid conservation, physicochemical variation, residue mobility, and thermodynamic stability) performed at Invitae indicates that this missense variant is expected to disrupt PRPH2 protein function. This variant has not been reported in the literature in individuals with PRPH2-related conditions. This variant is not present in population databases (ExAC no frequency). This sequence change replaces cysteine with serine at codon 250 of the PRPH2 protein (p.Cys250Ser). The cysteine residue is highly conserved and there is a moderate physicochemical difference between cysteine and serine.

Literature cited by the submitters: PubMed 16113362.